The following is an entry in ClinVar:

NM_001318510.2(ACSL4):c.704T>C (p.Met235Thr)

Gene: ACSL4 (acyl-CoA synthetase long chain family member 4; minus strand). Cytogenetic location: Xq23.
Variant type: single nucleotide variant.
Coding change: c.704T>C on transcript NM_001318510.2 (MANE Select); coding-DNA position 704, T replaced by C.
Protein change: p.Met235Thr; replaces methionine 235 with threonine.
Molecular consequence: missense variant.
Genome position (GRCh38, 1-based): chrX:109,678,367, A>G on the plus strand (T>C on the coding strand, the complement: ACSL4 is on the minus strand). VCF-style: chrX-109678367-A-G. GRCh37 (hg19) VCF-style: chrX-108921596-A-G.
Other names: c.827T>C, p.Met276Thr (NM_001318509.2, NM_022977.3); c.704T>C, p.Met235Thr (NM_004458.3); short protein forms M235T, M276T.
Identifiers: ClinVar variation 2577685 (VCV002577685.1), dbSNP rs1923900941, ClinGen allele CA414217711.

ClinVar aggregate classification (germline): Uncertain significance (1 of 4 stars; one submission).

Allele frequency attached by ClinVar (database versions not stated): gnomAD exomes below 0.00001.
gnomAD v4.1: 1 of 1,212,139 alleles (0.000082%); highest among the groups gnomAD compares: Non-Finnish European, 0.00011%; no homozygotes.

Submission:

GeneDx
Classification: Uncertain significance. Last evaluated: 2023-02-23. Review status: criteria provided, single submitter. Criteria: GeneDx Variant Classification Process June 2021. Collection method: clinical testing. Allele origin: germline. Affected: yes.
Comment: Not observed at significant frequency in large population cohorts (gnomAD); In silico analysis supports that this missense variant has a deleterious effect on protein structure/function; Has not been previously published as pathogenic or benign to our knowledge